The following is an entry in ClinVar:

NM_004304.5(ALK):c.1443C>A (p.Asn481Lys)

Gene: ALK (ALK receptor tyrosine kinase; minus strand). Cytogenetic location: 2p23.2.
Variant type: single nucleotide variant.
Coding change: c.1443C>A on transcript NM_004304.5 (MANE Select); coding-DNA position 1443, C replaced by A.
Protein change: p.Asn481Lys; replaces asparagine 481 with lysine.
Molecular consequence: missense variant.
Genome position (GRCh38, 1-based): chr2:29,320,854, G>T on the plus strand (C>A on the coding strand, the complement: ALK is on the minus strand). VCF-style: chr2-29320854-G-T. GRCh37 (hg19) VCF-style: chr2-29543720-G-T.
Other names: short protein forms N481K.
Identifiers: ClinVar variation 1348465 (VCV001348465.8), dbSNP rs200448968, ClinGen allele CA346472642.

ClinVar aggregate classification (germline): Uncertain significance. Review status: criteria provided, multiple submitters, no conflicts (2 of 4 stars). 2 submissions from 2 submitters: Uncertain significance (2). Last evaluated 2022-03-07.

Conditions:
Hereditary cancer-predisposing syndrome. Also called: Hereditary Cancer Syndrome; Neoplastic Syndromes, Hereditary; Tumor predisposition; Hereditary neoplastic syndrome. Identifiers: Orphanet 140162, MedGen C0027672, MeSH D009386, MONDO:0015356.
Neuroblastoma, susceptibility to, 3. Also called: ALK-Related Neuroblastic Tumor Susceptibility. Identifiers: Orphanet 635, MedGen C2751681, MONDO:0013083, OMIM 613014.

Submissions (2):

Ambry Genetics
Classification: Uncertain significance for Hereditary cancer-predisposing syndrome. Last evaluated: 2022-03-07. Review status: criteria provided, single submitter. Criteria: Ambry Variant Classification Scheme 2023. Collection method: clinical testing. Allele origin: germline.
Comment: The p.N481K variant (also known as c.1443C>A), located in coding exon 7 of the ALK gene, results from a C to A substitution at nucleotide position 1443. The asparagine at codon 481 is replaced by lysine, an amino acid with similar properties. This amino acid position is conserved. In addition, this alteration is predicted to be tolerated by in silico analysis. Since supporting evidence is limited at this time, the clinical significance of this alteration remains unclear.

Labcorp Genetics (formerly Invitae), Labcorp
Classification: Uncertain significance for Neuroblastoma, susceptibility to, 3. Last evaluated: 2021-09-29. Review status: criteria provided, single submitter. Criteria: Invitae Variant Classification Sherloc (09022015). Collection method: clinical testing. Allele origin: germline.
Comment: In summary, the available evidence is currently insufficient to determine the role of this variant in disease. Therefore, it has been classified as a Variant of Uncertain Significance. Algorithms developed to predict the effect of missense changes on protein structure and function are either unavailable or do not agree on the potential impact of this missense change (SIFT: "Deleterious"; PolyPhen-2: "Benign"; Align-GVGD: "Class C15"). This variant has not been reported in the literature in individuals affected with ALK-related conditions. This variant is not present in population databases (ExAC no frequency). This sequence change replaces asparagine with lysine at codon 481 of the ALK protein (p.Asn481Lys). The asparagine residue is moderately conserved and there is a moderate physicochemical difference between asparagine and lysine.